The following is an entry in ClinVar:

ClinVar aggregate classification (germline): Uncertain significance (1 of 4 stars; one submission).

Conditions:
Melanoma, cutaneous malignant, susceptibility to, 5. Also called: Cutaneous malignant melanoma 5. Identifiers: Orphanet 618, MedGen C2751295, MONDO:0013133, OMIM 613099.

Allele frequency attached by ClinVar (database versions not stated): ExAC 0.00001; gnomAD 0.00001; gnomAD exomes 0.00002; TOPMed 0.00002.
gnomAD v4.1: 28 of 1,613,536 alleles (0.0017%); highest among the groups gnomAD compares: Non-Finnish European, 0.0019%; no homozygotes.

Submission:

Labcorp Genetics (formerly Invitae), Labcorp
Classification: Uncertain significance for Melanoma, cutaneous malignant, susceptibility to, 5. Last evaluated: 2025-04-14. Review status: criteria provided, single submitter. Criteria: Invitae Variant Classification Sherloc (09022015). Collection method: clinical testing. Allele origin: germline.
Comment: This sequence change replaces leucine, which is neutral and non-polar, with histidine, which is basic and polar, at codon 252 of the MC1R protein (p.Leu252His). This variant is present in population databases (rs767276470, gnomAD 0.004%). This variant has not been reported in the literature in individuals affected with MC1R-related conditions. ClinVar contains an entry for this variant (Variation ID: 841633). Invitae Evidence Modeling of protein sequence and biophysical properties (such as structural, functional, and spatial information, amino acid conservation, physicochemical variation, residue mobility, and thermodynamic stability) indicates that this missense variant is expected to disrupt MC1R protein function with a positive predictive value of 80%. In summary, the available evidence is currently insufficient to determine the role of this variant in disease. Therefore, it has been classified as a Variant of Uncertain Significance.

NM_002386.4(MC1R):c.755T>A (p.Leu252His)

Gene: MC1R (melanocortin 1 receptor; plus strand). Cytogenetic location: 16q24.3.
Variant type: single nucleotide variant.
Coding change: c.755T>A on transcript NM_002386.4 (MANE Select); coding-DNA position 755, T replaced by A.
Protein change: p.Leu252His; replaces leucine 252 with histidine.
Molecular consequence: missense variant.
Genome position (GRCh38, 1-based): chr16:89,920,013, T>A. VCF-style: chr16-89920013-T-A. GRCh37 (hg19) VCF-style: chr16-89986421-T-A.
Other names: short protein forms L252H.
Identifiers: ClinVar variation 841633 (VCV000841633.9), dbSNP rs767276470, ClinGen allele CA8255735.